The following is an entry in ClinVar:

ClinVar aggregate classification (germline): Likely benign. Review status: criteria provided, single submitter (1 of 4 stars). 2 submissions from 2 submitters: Likely benign (1). 1 of the submissions does not count toward it. Last evaluated 2025-11-24.

Conditions:
GNAS-related disorder. Identifiers: MedGen CN380105.

Allele frequency attached by ClinVar (database versions not stated): gnomAD 0.00003.
gnomAD v4.1: 17 of 1,613,940 alleles (0.0011%); highest among the groups gnomAD compares: Admixed American, 0.02%; no homozygotes.

Submissions (2):

Labcorp Genetics (formerly Invitae), Labcorp
Classification: Likely benign. Last evaluated: 2025-11-24. Review status: criteria provided, single submitter. Criteria: Invitae Variant Classification Sherloc (09022015). Collection method: clinical testing. Allele origin: germline.

PreventionGenetics, part of Exact Sciences
Classification: Likely benign for GNAS-related condition. Last evaluated: 2019-10-20. Review status: no assertion criteria provided. Collection method: clinical testing. Allele origin: germline. Not counted in ClinVar's aggregate classification.
Comment: This variant is classified as likely benign based on ACMG/AMP sequence variant interpretation guidelines (Richards et al. 2015 PMID: 25741868, with internal and published modifications).

NM_000516.7(GNAS):c.312+7G>A

Gene: GNAS (GNAS complex locus; plus strand). Cytogenetic location: 20q13.32.
Variant type: single nucleotide variant.
Coding change: c.312+7G>A on transcript NM_000516.7 (MANE Select); 7 bases into the intron after coding-DNA position 312, G replaced by A.
Molecular consequence: intron variant.
Genome position (GRCh38, 1-based): chr20:58,903,592, G>A. VCF-style: chr20-58903592-G-A. GRCh37 (hg19) VCF-style: chr20-57478647-G-A.
Other names: c.312+7G>A (NM_000516.5); c.*218+7G>A (NM_016592.5); c.135+7G>A (NM_001309861.2, NM_001309840.2); c.*173+7G>A (NM_001077490.3); c.2241+7G>A (NM_080425.4); c.315+7G>A (NM_001077488.5); c.270+7G>A (NM_080426.4); c.267+7G>A (NM_001077489.4).
Identifiers: ClinVar variation 1909426 (VCV001909426.7), dbSNP rs771111377, ClinGen allele CA9927031.